The following is an entry in ClinVar:

ClinVar aggregate classification (germline): Uncertain significance. Review status: criteria provided, single submitter (1 of 4 stars). 2 submissions from 2 submitters: Uncertain significance (1). 1 of the submissions does not count toward it. Last evaluated 2022-06-01.

Conditions:
Tay-Sachs disease (TSD). Also called: HEXA Disorders; HEXA DEFICIENCY; Hexosaminidase A Deficiency; GM2 gangliosidosis, type 1; Hexosaminidase alpha-subunit deficiency (variant B); Sphingolipidosis, Tay-Sachs. Identifiers: Orphanet 845, MedGen C0039373, MONDO:0010100, OMIM 272800.

Allele frequency attached by ClinVar (database versions not stated): gnomAD 0.00001.
gnomAD v4.1: 1 of 1,613,916 alleles (0.000062%); highest among the groups gnomAD compares: Non-Finnish European, 0.000085%; no homozygotes.

Submissions (2):

Labcorp Genetics (formerly Invitae), Labcorp
Classification: Uncertain significance for Tay-Sachs disease. Last evaluated: 2022-06-01. Review status: criteria provided, single submitter. Criteria: Invitae Variant Classification Sherloc (09022015). Collection method: clinical testing. Allele origin: germline.
Comment: Algorithms developed to predict the effect of missense changes on protein structure and function are either unavailable or do not agree on the potential impact of this missense change (SIFT: "Deleterious"; PolyPhen-2: "Probably Damaging"; Align-GVGD: "Class C0"). In summary, the available evidence is currently insufficient to determine the role of this variant in disease. Therefore, it has been classified as a Variant of Uncertain Significance. ClinVar contains an entry for this variant (Variation ID: 555027). This variant has not been reported in the literature in individuals affected with HEXA-related conditions. This variant is present in population databases (rs547192168, gnomAD 0.002%). This sequence change replaces methionine, which is neutral and non-polar, with valine, which is neutral and non-polar, at codon 459 of the HEXA protein (p.Met459Val).

Counsyl
Classification: Uncertain significance for Tay-Sachs disease. Last evaluated: 2017-12-05. Review status: no assertion criteria provided. Collection method: clinical testing. Allele origin: unknown. Not counted in ClinVar's aggregate classification.

NM_000520.6(HEXA):c.1375A>G (p.Met459Val)

Gene: HEXA (hexosaminidase subunit alpha; minus strand). Cytogenetic location: 15q23.
Variant type: single nucleotide variant.
Coding change: c.1375A>G on transcript NM_000520.6 (MANE Select); coding-DNA position 1375, A replaced by G.
Protein change: p.Met459Val; replaces methionine 459 with valine.
Molecular consequence: missense variant. On other transcripts: non-coding transcript variant (1).
Genome position (GRCh38, 1-based): chr15:72,346,281, T>C on the plus strand (A>G on the coding strand, the complement: HEXA is on the minus strand). VCF-style: chr15-72346281-T-C. GRCh37 (hg19) VCF-style: chr15-72638622-T-C.
Other names: c.1408A>G, p.Met470Val (NM_001318825.2); short protein forms M459V, M470V.
Identifiers: ClinVar variation 555027 (VCV000555027.6), dbSNP rs547192168, ClinGen allele CA7644710.